The following is an entry in ClinVar:

NM_032436.4(CHAMP1):c.675C>A (p.Pro225=)

Gene: CHAMP1 (chromosome alignment maintaining phosphoprotein 1; plus strand). Cytogenetic location: 13q34.
Variant type: single nucleotide variant.
Coding change: c.675C>A on transcript NM_032436.4 (MANE Select); coding-DNA position 675, C replaced by A.
Protein change: p.Pro225=; no amino-acid change (proline 225 retained).
Molecular consequence: synonymous variant.
Genome position (GRCh38, 1-based): chr13:114,324,517, C>A. VCF-style: chr13-114324517-C-A. GRCh37 (hg19) VCF-style: chr13-115089992-C-A.
Other names: c.675C>A, p.Pro225= (NM_001164144.3, NM_001164145.3); c.675C>A (NM_001164145.2).
Identifiers: ClinVar variation 756072 (VCV000756072.29), dbSNP rs201875013, ClinGen allele CA7070664.

ClinVar aggregate classification (germline): Benign. Review status: criteria provided, multiple submitters, no conflicts (2 of 4 stars). 4 submissions from 4 submitters: Benign (3). 1 of the submissions does not count toward it. Last evaluated 2025-11-01.

Conditions:
CHAMP1-related disorder. Also called: CHAMP1-related condition.

Allele frequency attached by ClinVar (database versions not stated): gnomAD 0.00008 and 0.00045; TOPMed 0.00014; gnomAD exomes 0.00089 and 0.00154; ExAC 0.00189; 1000 Genomes Project 30x 0.00203; 1000 Genomes Project 0.00220.
gnomAD v4.1: 1,374 of 1,614,188 alleles (0.085%); highest among the groups gnomAD compares: South Asian, 1.3%; 21 homozygotes.

Submissions (4):

CeGaT Center for Human Genetics Tuebingen
Classification: Benign. Last evaluated: 2025-11-01. Review status: criteria provided, single submitter. Criteria: CeGaT Center For Human Genetics Tuebingen Variant Classification Criteria Version 2. Collection method: clinical testing. Allele origin: germline. Affected: yes. Observed: 3 variant alleles.
Comment: CHAMP1: BP4, BP7, BS1, BS2

Labcorp Genetics (formerly Invitae), Labcorp
Classification: Benign. Last evaluated: 2019-12-31. Review status: criteria provided, single submitter. Criteria: Invitae Variant Classification Sherloc (09022015). Collection method: clinical testing. Allele origin: germline.

Breakthrough Genomics
Classification: Benign. Review status: criteria provided, single submitter. Criteria: ACMG Guidelines, 2015. Collection method: not provided. Allele origin: germline. Inheritance: Autosomal dominant inheritance. Affected: yes.

PreventionGenetics, part of Exact Sciences
Classification: Benign for CHAMP1-related condition. Last evaluated: 2023-12-31. Review status: no assertion criteria provided. Collection method: clinical testing. Allele origin: germline. Not counted in ClinVar's aggregate classification.
Comment: This variant is classified as benign based on ACMG/AMP sequence variant interpretation guidelines (Richards et al. 2015 PMID: 25741868, with internal and published modifications).